The following is an entry in ClinVar:

ClinVar aggregate classification (germline): Uncertain significance. Review status: criteria provided, single submitter (1 of 4 stars). 2 submissions from 2 submitters: Uncertain significance (1). 1 of the submissions does not count toward it. Last evaluated 2021-09-01.

Conditions:
PHGDH deficiency. Identifiers: Orphanet 79351, MedGen C1866174, MONDO:0011152, OMIM 601815.

Allele frequency attached by ClinVar (database versions not stated): gnomAD exomes below 0.00001; ExAC 0.00001; gnomAD 0.00001; TOPMed 0.00002; 1000 Genomes Project 30x 0.00016; 1000 Genomes Project 0.00020.
gnomAD v4.1: 8 of 1,614,114 alleles (0.0005%); highest among the groups gnomAD compares: East Asian, 0.0022%; no homozygotes.

Submissions (2):

Labcorp Genetics (formerly Invitae), Labcorp
Classification: Uncertain significance for PHGDH deficiency. Last evaluated: 2021-09-01. Review status: criteria provided, single submitter. Criteria: Invitae Variant Classification Sherloc (09022015). Collection method: clinical testing. Allele origin: germline.
Comment: This sequence change replaces asparagine with serine at codon 82 of the PHGDH protein (p.Asn82Ser). The asparagine residue is highly conserved and there is a small physicochemical difference between asparagine and serine. This variant is present in population databases (rs587625944, ExAC 0.001%). This variant has not been reported in the literature in individuals affected with PHGDH-related conditions. ClinVar contains an entry for this variant (Variation ID: 591539). Algorithms developed to predict the effect of missense changes on protein structure and function are either unavailable or do not agree on the potential impact of this missense change (SIFT: "Tolerated"; PolyPhen-2: "Probably Damaging"; Align-GVGD: "Class C0"). In summary, the available evidence is currently insufficient to determine the role of this variant in disease. Therefore, it has been classified as a Variant of Uncertain Significance.

Gharavi Laboratory, Columbia University
Classification: Uncertain significance. Last evaluated: 2018-09-16. Review status: no assertion criteria provided. Criteria: ACMG Guidelines, 2015. Collection method: research. Allele origin: germline. Affected: yes. Not counted in ClinVar's aggregate classification.

NM_006623.4(PHGDH):c.245A>G (p.Asn82Ser)

Gene: PHGDH (phosphoglycerate dehydrogenase; plus strand). Cytogenetic location: 1p12.
Variant type: single nucleotide variant.
Coding change: c.245A>G on transcript NM_006623.4 (MANE Select); coding-DNA position 245, A replaced by G.
Protein change: p.Asn82Ser; replaces asparagine 82 with serine.
Molecular consequence: missense variant.
Genome position (GRCh38, 1-based): chr1:119,721,276, A>G. VCF-style: chr1-119721276-A-G. GRCh37 (hg19) VCF-style: chr1-120263899-A-G.
Other names: short protein forms N82S.
Identifiers: ClinVar variation 591539 (VCV000591539.6), dbSNP rs587625944, ClinGen allele CA1036974.